The following is an entry in ClinVar:

ClinVar aggregate classification (germline): Likely benign (1 of 4 stars; one submission).

Conditions:
GLIS2-related disorder. Also called: GLIS2-related condition.

gnomAD v4.1: 13 of 1,583,342 alleles (0.00082%); highest among the groups gnomAD compares: Non-Finnish European, 0.0011%; no homozygotes.

Submission:

PreventionGenetics, part of Exact Sciences
Classification: Likely benign for GLIS2-related condition. Last evaluated: 2025-01-02. Review status: criteria provided, single submitter. Criteria: ACMG Guidelines, 2015. Collection method: clinical testing. Allele origin: germline.
Comment: This variant is classified as likely benign based on ACMG/AMP sequence variant interpretation guidelines (Richards et al. 2015 PMID: 25741868, with internal and published modifications).

NM_032575.3(GLIS2):c.1092C>A (p.Gly364=)

Gene: GLIS2 (GLIS family zinc finger 2; plus strand). Cytogenetic location: 16p13.3.
Variant type: single nucleotide variant.
Coding change: c.1092C>A on transcript NM_032575.3 (MANE Select); coding-DNA position 1092, C replaced by A.
Protein change: p.Gly364=; no amino-acid change (glycine 364 retained).
Molecular consequence: synonymous variant.
Genome position (GRCh38, 1-based): chr16:4,337,041, C>A. VCF-style: chr16-4337041-C-A. GRCh37 (hg19) VCF-style: chr16-4387042-C-A.
Other names: c.1092C>A, p.Gly364= (NM_001318918.2).
Identifiers: ClinVar variation 4987033 (VCV004987033.1).